The following is an entry in ClinVar:

NM_020944.3(GBA2):c.892G>A (p.Gly298Arg)

Gene: GBA2 (glucosylceramidase beta 2; minus strand). Cytogenetic location: 9p13.3.
Variant type: single nucleotide variant.
Coding change: c.892G>A on transcript NM_020944.3 (MANE Select); coding-DNA position 892, G replaced by A.
Protein change: p.Gly298Arg; replaces glycine 298 with arginine.
Molecular consequence: missense variant.
Genome position (GRCh38, 1-based): chr9:35,740,959, C>T on the plus strand (G>A on the coding strand, the complement: GBA2 is on the minus strand). VCF-style: chr9-35740959-C-T. GRCh37 (hg19) VCF-style: chr9-35740956-C-T.
Other names: c.892G>A, p.Gly298Arg (NM_001330660.2); short protein forms G298R.
Identifiers: ClinVar variation 2606000 (VCV002606000.3), dbSNP rs2490895980, ClinGen allele CA373416318.

ClinVar aggregate classification (germline): Uncertain significance. Review status: criteria provided, multiple submitters, no conflicts (2 of 4 stars). 2 submissions from 2 submitters: Uncertain significance (2). Last evaluated 2023-06-23.

Conditions:
Inborn genetic diseases. Identifiers: MedGen C0950123, MeSH D030342.
Hereditary spastic paraplegia 46. Also called: Spastic paraplegia 46, autosomal recessive. Identifiers: Orphanet 320391, MedGen C2828721, MONDO:0013737, OMIM 614409.

Allele frequency attached by ClinVar (database versions not stated): gnomAD exomes 0.00001.
gnomAD v4.1: 3 of 1,614,204 alleles (0.00019%); highest among the groups gnomAD compares: South Asian, 0.0022%; no homozygotes.

Submissions (2):

Ambry Genetics
Classification: Uncertain significance for Inborn genetic diseases. Last evaluated: 2023-06-23. Review status: criteria provided, single submitter. Criteria: Ambry Variant Classification Scheme 2023. Collection method: clinical testing. Allele origin: germline.

Neuberg Centre For Genomic Medicine, NCGM
Classification: Uncertain significance for Hereditary spastic paraplegia 46. Review status: criteria provided, single submitter. Criteria: ACMG Guidelines, 2015. Collection method: clinical testing. Allele origin: germline. Inheritance: Autosomal recessive inheritance. Affected: yes.
Comment: The observed missense c.892G>A(p.Gly298Arg) variant in GBA2 gene has not been reported previously as a pathogenic variant nor as a benign variant, to our knowledge. The p.Gly298Arg variant is absent in gnomAD Exomes database. This variant has not been submitted to the ClinVar database. The amino acid change p.Gly298Arg in GBA2 is predicted as conserved by GERP++ and PhyloP across 100 vertebrates. The amino acid Gly at position 298 is changed to a Arg changing protein sequence and it might alter its composition and physico-chemical properties. Computational evidence (Polyphen, SIFT and MutationTaster) predicts conflicting evidence on protein structure and function for this variant. For these reasons, this variant has been classified as Variant of Uncertain Significance (VUS).